The following is an entry in ClinVar:

NM_001128178.3(NPHP1):c.903G>A (p.Met301Ile)

Gene: NPHP1 (nephrocystin 1; minus strand). Cytogenetic location: 2q13.
Variant type: single nucleotide variant.
Coding change: c.903G>A on transcript NM_001128178.3 (MANE Select); coding-DNA position 903, G replaced by A.
Protein change: p.Met301Ile; replaces methionine 301 with isoleucine.
Molecular consequence: missense variant.
Genome position (GRCh38, 1-based): chr2:110,161,654, C>T on the plus strand (G>A on the coding strand, the complement: NPHP1 is on the minus strand). VCF-style: chr2-110161654-C-T. GRCh37 (hg19) VCF-style: chr2-110919231-C-T.
Other names: c.1071G>A, p.Met357Ile (NM_000272.5); c.714G>A, p.Met238Ile (NM_001128179.3); c.900G>A, p.Met300Ile (NM_001374256.1); c.903G>A, p.Met301Ile (NM_001374257.1); c.1068G>A, p.Met356Ile (NM_207181.4); short protein forms M357I, M301I, M356I, M238I, M300I.
Identifiers: ClinVar variation 598258 (VCV000598258.11), dbSNP rs375386218, ClinGen allele CA53512499.

ClinVar aggregate classification (germline): Uncertain significance. Review status: criteria provided, multiple submitters, no conflicts (2 of 4 stars). 2 submissions from 2 submitters: Uncertain significance (2). Last evaluated 2023-10-03.

Conditions:
Nephronophthisis. Also called: Juvenile Nephronophthisis. Identifiers: Orphanet 655, MedGen C0687120, MONDO:0019005, HP:0000090.

Allele frequency attached by ClinVar (database versions not stated): gnomAD exomes 0.00001; gnomAD 0.00003 and 0.00004; TOPMed 0.00003; ESP Exome Variant Server 0.00008.
gnomAD v4.1: 23 of 1,613,306 alleles (0.0014%); highest among the groups gnomAD compares: African/African-American, 0.011%; no homozygotes.

Submissions (2):

Labcorp Genetics (formerly Invitae), Labcorp
Classification: Uncertain significance for Nephronophthisis. Last evaluated: 2023-10-03. Review status: criteria provided, single submitter. Criteria: Invitae Variant Classification Sherloc (09022015). Collection method: clinical testing. Allele origin: germline.
Comment: This sequence change replaces methionine, which is neutral and non-polar, with isoleucine, which is neutral and non-polar, at codon 357 of the NPHP1 protein (p.Met357Ile). This variant is present in population databases (rs375386218, gnomAD 0.01%). This variant has not been reported in the literature in individuals affected with NPHP1-related conditions. ClinVar contains an entry for this variant (Variation ID: 598258). Advanced modeling of protein sequence and biophysical properties (such as structural, functional, and spatial information, amino acid conservation, physicochemical variation, residue mobility, and thermodynamic stability) performed at Invitae indicates that this missense variant is not expected to disrupt NPHP1 protein function. In summary, the available evidence is currently insufficient to determine the role of this variant in disease. Therefore, it has been classified as a Variant of Uncertain Significance.

Eurofins Ntd Llc (ga)
Classification: Uncertain significance. Last evaluated: 2018-08-03. Review status: criteria provided, single submitter. Criteria: EGL ClinVar v180209 classification definitions. Collection method: clinical testing. Allele origin: germline. Observed: 1 variant allele, 1 heterozygote.